The following is an entry in ClinVar:

NM_003924.4(PHOX2B):c.656G>T (p.Ser219Ile)

Gene: PHOX2B (paired like homeobox 2B; minus strand). Cytogenetic location: 4p13.
Variant type: single nucleotide variant.
Coding change: c.656G>T on transcript NM_003924.4 (MANE Select); coding-DNA position 656, G replaced by T.
Protein change: p.Ser219Ile; replaces serine 219 with isoleucine.
Molecular consequence: missense variant.
Genome position (GRCh38, 1-based): chr4:41,746,096, C>A on the plus strand (G>T on the coding strand, the complement: PHOX2B is on the minus strand). VCF-style: chr4-41746096-C-A. GRCh37 (hg19) VCF-style: chr4-41748113-C-A.
Other names: short protein forms S219I.
Identifiers: ClinVar variation 5026561 (VCV005026561.1).

ClinVar aggregate classification (germline): Uncertain significance (1 of 4 stars; one submission).

Conditions:
Hereditary cancer-predisposing syndrome. Also called: Neoplastic Syndromes, Hereditary; Tumor predisposition; Hereditary neoplastic syndrome; Hereditary Cancer Syndrome. Identifiers: Orphanet 140162, MedGen C0027672, MeSH D009386, MONDO:0015356.

Submission:

Ambry Genetics
Classification: Uncertain significance for Hereditary cancer-predisposing syndrome. Last evaluated: 2026-07-06. Review status: criteria provided, single submitter. Criteria: Ambry Variant Classification Scheme 2023. Collection method: clinical testing. Allele origin: germline.
Comment: The p.S219I variant (also known as c.656G>T), located in coding exon 3 of the PHOX2B gene, results from a G to T substitution at nucleotide position 656. The serine at codon 219 is replaced by isoleucine, an amino acid with dissimilar properties. This amino acid position is conserved. In addition, this alteration is predicted to be tolerated by in silico analysis. Based on the available evidence, the clinical significance of this variant remains unclear.